The following is an entry in ClinVar:

NM_004304.5(ALK):c.932G>C (p.Arg311Pro)

Gene: ALK (ALK receptor tyrosine kinase; minus strand). Cytogenetic location: 2p23.2.
Variant type: single nucleotide variant.
Coding change: c.932G>C on transcript NM_004304.5 (MANE Select); coding-DNA position 932, G replaced by C.
Protein change: p.Arg311Pro; replaces arginine 311 with proline.
Molecular consequence: missense variant.
Genome position (GRCh38, 1-based): chr2:29,694,870, C>G on the plus strand (G>C on the coding strand, the complement: ALK is on the minus strand). VCF-style: chr2-29694870-C-G. GRCh37 (hg19) VCF-style: chr2-29917736-C-G.
Other names: short protein forms R311P.
Identifiers: ClinVar variation 645075 (VCV000645075.9), dbSNP rs150966028, ClinGen allele CA346586850.
Genomic context (GRCh38, chr2:29,694,870, plus strand): 5'-CCTGACCCACCCAGGACATCACCAGCAGCCTCTCCCTTACCTCTGGGCATCTCCTTAGAA[C>G]GCTCTGCCCCAGGCCCATCCAGCAAGTCCATCTGGGAGGCCTCCTCGGAGGGGATGCGGC-3'
Protein context (NP_004295.2, residues 301-321): MDLLDGPGAE[Arg311Pro]SKEMPRGSFL

ClinVar aggregate classification (germline): Conflicting classifications of pathogenicity. Review status: criteria provided, conflicting classifications (1 of 4 stars). 2 submissions from 2 submitters: Uncertain significance (1); Likely benign (1). Last evaluated 2026-08-25.

Conditions:
Neuroblastoma, susceptibility to, 3. Also called: ALK-Related Neuroblastic Tumor Susceptibility. Identifiers: Orphanet 635, MedGen C2751681, MONDO:0013083, OMIM 613014.
Hereditary cancer-predisposing syndrome. Also called: Neoplastic Syndromes, Hereditary; Hereditary Cancer Syndrome; Hereditary neoplastic syndrome; Tumor predisposition. Identifiers: Orphanet 140162, MedGen C0027672, MeSH D009386, MONDO:0015356.

Submissions (2):

Ambry Genetics
Classification: Likely benign for Hereditary cancer-predisposing syndrome. Last evaluated: 2026-08-25. Review status: criteria provided, single submitter. Criteria: Ambry Variant Classification Scheme 2023. Collection method: clinical testing. Allele origin: germline.

Labcorp Genetics (formerly Invitae), Labcorp
Classification: Uncertain significance for Neuroblastoma, susceptibility to, 3. Last evaluated: 2023-12-13. Review status: criteria provided, single submitter. Criteria: Invitae Variant Classification Sherloc (09022015). Collection method: clinical testing. Allele origin: germline.
Comment: This sequence change replaces arginine, which is basic and polar, with proline, which is neutral and non-polar, at codon 311 of the ALK protein (p.Arg311Pro). This variant is not present in population databases (gnomAD no frequency). This variant has not been reported in the literature in individuals affected with ALK-related conditions. ClinVar contains an entry for this variant (Variation ID: 645075). An algorithm developed to predict the effect of missense changes on protein structure and function (PolyPhen-2) suggests that this variant is likely to be tolerated. In summary, the available evidence is currently insufficient to determine the role of this variant in disease. Therefore, it has been classified as a Variant of Uncertain Significance.